The following is an entry in ClinVar:

NM_020207.7(ERCC6L2):c.3121T>G (p.Tyr1041Asp)

Gene: ERCC6L2 (ERCC excision repair 6 like 2; plus strand). Cytogenetic location: 9q22.32.
Variant type: single nucleotide variant.
Coding change: c.3121T>G on transcript NM_020207.7 (MANE Select); coding-DNA position 3121, T replaced by G.
Protein change: p.Tyr1041Asp; replaces tyrosine 1041 with aspartic acid.
Molecular consequence: missense variant. On other transcripts: non-coding transcript variant (1).
Genome position (GRCh38, 1-based): chr9:95,972,872, T>G. VCF-style: chr9-95972872-T-G. GRCh37 (hg19) VCF-style: chr9-98735154-T-G.
Other names: c.3121T>G, p.Tyr1041Asp (NM_001375291.1, NM_001375292.1, NM_001375293.1 and 1 more transcripts); short protein forms Y1041D.
Identifiers: ClinVar variation 1386955 (VCV001386955.5), dbSNP rs777486284, ClinGen allele CA5139853.

ClinVar aggregate classification (germline): Uncertain significance (1 of 4 stars; one submission).

Allele frequency attached by ClinVar (database versions not stated): gnomAD 0.00006; TOPMed 0.00008; ExAC 0.00011; gnomAD exomes 0.00011 and 0.00017.
gnomAD v4.1: 195 of 1,305,148 alleles (0.015%); highest among the groups gnomAD compares: Non-Finnish European, 0.019%; no homozygotes.

Submission:

Labcorp Genetics (formerly Invitae), Labcorp
Classification: Uncertain significance. Last evaluated: 2024-06-09. Review status: criteria provided, single submitter. Criteria: Invitae Variant Classification Sherloc (09022015). Collection method: clinical testing. Allele origin: germline.
Comment: This sequence change replaces tyrosine, which is neutral and polar, with aspartic acid, which is acidic and polar, at codon 1052 of the ERCC6L2 protein (p.Tyr1052Asp). This variant is present in population databases (rs777486284, gnomAD 0.03%). This variant has not been reported in the literature in individuals affected with ERCC6L2-related conditions. ClinVar contains an entry for this variant (Variation ID: 1386955). Experimental studies and prediction algorithms are not available or were not evaluated, and the functional significance of this variant is currently unknown. In summary, the available evidence is currently insufficient to determine the role of this variant in disease. Therefore, it has been classified as a Variant of Uncertain Significance.